The following is an entry in ClinVar:

NM_001171.6(ABCC6):c.1361C>A (p.Thr454Asn)

Gene: ABCC6 (ATP binding cassette subfamily C member 6; minus strand). Cytogenetic location: 16p13.11.
Variant type: single nucleotide variant.
Coding change: c.1361C>A on transcript NM_001171.6 (MANE Select); coding-DNA position 1361, C replaced by A.
Protein change: p.Thr454Asn; replaces threonine 454 with asparagine.
Molecular consequence: missense variant. On other transcripts: non-coding transcript variant (1).
Genome position (GRCh38, 1-based): chr16:16,192,900, G>T on the plus strand (C>A on the coding strand, the complement: ABCC6 is on the minus strand). VCF-style: chr16-16192900-G-T. GRCh37 (hg19) VCF-style: chr16-16286757-G-T.
Other names: c.1019C>A, p.Thr340Asn (NM_001351800.1); short protein forms T454N, T340N.
Identifiers: ClinVar variation 1471257 (VCV001471257.8), dbSNP rs554886514, ClinGen allele CA394890096.
Genomic context (GRCh38, chr16:16,192,900, plus strand): 5'-TTCCTTTTCTTGGAGATGAAGAAATTCAGAGGGAGGAGGCTCAGGAAGACAGCGATGGCA[G>T]TGAGGGCGGAGGGCCCCAGGAGCTGGGGATAGAAGGGGCAGGATGTCAGGAGATCCCGAG-3'
Protein context (NP_001162.5, residues 444-464): LWQLLGPSAL[Thr454Asn]AIAVFLSLLP

ClinVar aggregate classification (germline): Uncertain significance (1 of 4 stars; one submission).

Submission:

Labcorp Genetics (formerly Invitae), Labcorp
Classification: Uncertain significance. Last evaluated: 2024-02-17. Review status: criteria provided, single submitter. Criteria: Invitae Variant Classification Sherloc (09022015). Collection method: clinical testing. Allele origin: germline.
Comment: This sequence change replaces threonine, which is neutral and polar, with asparagine, which is neutral and polar, at codon 454 of the ABCC6 protein (p.Thr454Asn). This variant is not present in population databases (gnomAD no frequency). This variant has not been reported in the literature in individuals affected with ABCC6-related conditions. ClinVar contains an entry for this variant (Variation ID: 1471257). Advanced modeling of protein sequence and biophysical properties (such as structural, functional, and spatial information, amino acid conservation, physicochemical variation, residue mobility, and thermodynamic stability) performed at Invitae indicates that this missense variant is expected to disrupt ABCC6 protein function with a positive predictive value of 95%. In summary, the available evidence is currently insufficient to determine the role of this variant in disease. Therefore, it has been classified as a Variant of Uncertain Significance.